The following is an entry in ClinVar:

ClinVar aggregate classification (germline): Pathogenic (1 of 4 stars; one submission).

Conditions:
Neuropathy, hereditary motor and sensory, type 6B (HMSN6B). Also called: HMSN VIB; CHARCOT-MARIE-TOOTH DISEASE, TYPE 6B; NEUROPATHY, HEREDITARY MOTOR AND SENSORY, TYPE VIB, WITH OPTIC ATROPHY; Neuropathy, hereditary motor and sensory, type VIB. Identifiers: MedGen C4225302, MONDO:0014671, OMIM 616505.

Submission:

Labcorp Genetics (formerly Invitae), Labcorp
Classification: Pathogenic for Neuropathy, hereditary motor and sensory, type 6B. Last evaluated: 2023-07-14. Review status: criteria provided, single submitter. Criteria: Invitae Variant Classification Sherloc (09022015). Collection method: clinical testing. Allele origin: germline.
Comment: For these reasons, this variant has been classified as Pathogenic. This variant disrupts a region of the SLC25A46 protein in which other variant(s) (p.Arg340Cys) have been determined to be pathogenic (PMID: 26168012, 27543974, 28369803, 28558379). This suggests that this is a clinically significant region of the protein, and that variants that disrupt it are likely to be disease-causing. ClinVar contains an entry for this variant (Variation ID: 969384). This variant has not been reported in the literature in individuals affected with SLC25A46-related conditions. This variant is not present in population databases (gnomAD no frequency). This sequence change creates a premature translational stop signal (p.Thr268Leufs*22) in the SLC25A46 gene. While this is not anticipated to result in nonsense mediated decay, it is expected to disrupt the last 151 amino acid(s) of the SLC25A46 protein.

Literature cited by the submitters: PubMed 26168012; PubMed 27543974; PubMed 28369803; PubMed 28558379.

NM_138773.4(SLC25A46):c.799_800dup (p.Thr268fs)

Gene: SLC25A46 (solute carrier family 25 member 46; plus strand). Cytogenetic location: 5q22.1.
Variant type: Duplication.
Coding change: c.799_800dup on transcript NM_138773.4 (MANE Select); coding-DNA positions 799 to 800, 2 bases duplicated (CC; older notation c.799_800dupCC).
Protein change: p.Thr268fs; shifts the reading frame from threonine 268.
Molecular consequence: frameshift variant. On other transcripts: non-coding transcript variant (1), intron variant (1).
Genome position (GRCh38, 1-based): chr5:110,761,324-110,761,325, CC duplicated; duplicating any 2 consecutive bases within chr5:110,761,323-110,761,325 gives the same sequence; the c. name uses the placement nearest the transcript's 3' end. VCF-style (leftmost placement, unchanged base first): chr5-110761322-T-TCC. GRCh37 (hg19) VCF-style: chr5-110097022-T-TCC.
Other names: c.526_527dup, p.Thr177fs (NM_001303250.3); c.679-123_679-122dup (NM_001303249.3); short protein forms T268fs, T177fs.
Identifiers: ClinVar variation 969384 (VCV000969384.10), dbSNP rs1800243948, ClinGen allele CA1139658974.
Genomic context (GRCh38, chr5:110,761,322, plus strand): 5'-GAGTGATAGGCATGGGAGTGCCTCATAGCAAACGACTTCTTCCGCTTCTTTCCTTGATCT[T>TCC]CCCTACGGTGCTTCATGGAGTTCTTCATTACATCATCAGCTCAGTTATTCAGAAGTTTGT-3'